The following is an entry in ClinVar:

ClinVar aggregate classification (germline): Benign. Review status: criteria provided, multiple submitters, no conflicts (2 of 4 stars). 3 submissions from 3 submitters: Benign (2). 1 of the submissions does not count toward it. Last evaluated 2019-12-31.

Conditions:
NEO1-related disorder. Also called: NEO1-related condition.

Allele frequency attached by ClinVar (database versions not stated): gnomAD exomes 0.00159 and 0.00059; gnomAD 0.00612 and 0.00665; 1000 Genomes Project 30x 0.00687; ExAC 0.00195; 1000 Genomes Project 0.00619; TOPMed 0.00687; ESP Exome Variant Server 0.00739.
gnomAD v4.1: 1,821 of 1,614,176 alleles (0.11%); highest among the groups gnomAD compares: African/African-American, 2.2%; 20 homozygotes.

Submissions (3):

Labcorp Genetics (formerly Invitae), Labcorp
Classification: Benign. Last evaluated: 2019-12-31. Review status: criteria provided, single submitter. Criteria: Invitae Variant Classification Sherloc (09022015). Collection method: clinical testing. Allele origin: germline.

Breakthrough Genomics
Classification: Benign. Review status: criteria provided, single submitter. Criteria: ACMG Guidelines, 2015. Collection method: not provided. Allele origin: germline. Inheritance: Unknown mechanism. Affected: yes.

PreventionGenetics, part of Exact Sciences
Classification: Benign for NEO1-related condition. Last evaluated: 2019-03-29. Review status: no assertion criteria provided. Collection method: clinical testing. Allele origin: germline. Not counted in ClinVar's aggregate classification.
Comment: This variant is classified as benign based on ACMG/AMP sequence variant interpretation guidelines (Richards et al. 2015 PMID: 25741868, with internal and published modifications).

NM_002499.4(NEO1):c.4266G>A (p.Val1422=)

Gene: NEO1 (neogenin 1; plus strand). Cytogenetic location: 15q24.1.
Variant type: single nucleotide variant.
Coding change: c.4266G>A on transcript NM_002499.4 (MANE Select); coding-DNA position 4266, G replaced by A.
Protein change: p.Val1422=; no amino-acid change (valine 1422 retained).
Molecular consequence: synonymous variant.
Genome position (GRCh38, 1-based): chr15:73,301,421, G>A. VCF-style: chr15-73301421-G-A. GRCh37 (hg19) VCF-style: chr15-73593762-G-A.
Other names: c.4107G>A, p.Val1369= (NM_001172623.2); c.4233G>A, p.Val1411= (NM_001172624.2).
Identifiers: ClinVar variation 786276 (VCV000786276.7), dbSNP rs8035608, ClinGen allele CA7648729.